The following is an entry in ClinVar:

NM_002528.7(NTHL1):c.40A>C (p.Ser14Arg)

Gene: NTHL1 (nth like DNA glycosylase 1; minus strand). Cytogenetic location: 16p13.3.
Variant type: single nucleotide variant.
Coding change: c.40A>C on transcript NM_002528.7 (MANE Select); coding-DNA position 40, A replaced by C.
Protein change: p.Ser14Arg; replaces serine 14 with arginine.
Molecular consequence: missense variant. On other transcripts: 5 prime UTR variant (1).
Genome position (GRCh38, 1-based): chr16:2,047,784, T>G on the plus strand (A>C on the coding strand, the complement: NTHL1 is on the minus strand). VCF-style: chr16-2047784-T-G. GRCh37 (hg19) VCF-style: chr16-2097785-T-G.
Other names: c.40A>C, p.Ser14Arg (NM_001318193.2); c.-139A>C (NM_001318194.2); short protein forms S14R.
Identifiers: ClinVar variation 1389889 (VCV001389889.8), dbSNP rs1596228177, ClinGen allele CA394298546.

ClinVar aggregate classification (germline): Uncertain significance. Review status: criteria provided, multiple submitters, no conflicts (2 of 4 stars). 2 submissions from 2 submitters: Uncertain significance (2). Last evaluated 2021-10-01.

Conditions:
Hereditary cancer-predisposing syndrome. Also called: Neoplastic Syndromes, Hereditary; Tumor predisposition; Hereditary neoplastic syndrome; Hereditary Cancer Syndrome. Identifiers: Orphanet 140162, MedGen C0027672, MeSH D009386, MONDO:0015356.

Submissions (2):

Labcorp Genetics (formerly Invitae), Labcorp
Classification: Uncertain significance. Last evaluated: 2021-10-01. Review status: criteria provided, single submitter. Criteria: Invitae Variant Classification Sherloc (09022015). Collection method: clinical testing. Allele origin: germline.
Comment: In summary, the available evidence is currently insufficient to determine the role of this variant in disease. Therefore, it has been classified as a Variant of Uncertain Significance. Algorithms developed to predict the effect of missense changes on protein structure and function are either unavailable or do not agree on the potential impact of this missense change (SIFT: "Not Available"; PolyPhen-2: "Probably Damaging"; Align-GVGD: "Not Available"). This variant has not been reported in the literature in individuals affected with NTHL1-related conditions. This variant is not present in population databases (ExAC no frequency). This sequence change replaces serine with arginine at codon 22 of the NTHL1 protein (p.Ser22Arg). The serine residue is moderately conserved and there is a moderate physicochemical difference between serine and arginine.

Ambry Genetics
Classification: Uncertain significance for Hereditary cancer-predisposing syndrome. Last evaluated: 2021-09-20. Review status: criteria provided, single submitter. Criteria: Ambry Variant Classification Scheme 2023. Collection method: clinical testing. Allele origin: germline.
Comment: The p.S22R variant (also known as c.64A>C), located in coding exon 1 of the NTHL1 gene, results from an A to C substitution at nucleotide position 64. The serine at codon 22 is replaced by arginine, an amino acid with dissimilar properties. This amino acid position is conserved. In addition, this alteration is predicted to be tolerated by in silico analysis. Since supporting evidence is limited at this time, the clinical significance of this alteration remains unclear.